The following is an entry in ClinVar:

ClinVar aggregate classification (germline): Pathogenic (1 of 4 stars; one submission).

Conditions:
X-linked distal spinal muscular atrophy type 3. Also called: SPINAL MUSCULAR ATROPHY, DISTAL, X-LINKED RECESSIVE; ATP7A-Related Distal Motor Neuropathy; NEURONOPATHY, DISTAL HEREDITARY MOTOR, X-LINKED; NEUROPATHY, DISTAL HEREDITARY MOTOR, X-LINKED. Identifiers: Orphanet 139557, MedGen C1845359, MONDO:0010338, OMIM 300489.
Menkes kinky-hair syndrome (MNK). Also called: Copper transport disease; Classic Menkes Disease; Menkes Disease. Identifiers: Orphanet 565, MedGen C0022716, MONDO:0010651, OMIM 309400.
Cutis laxa, X-linked (OHS). Also called: EDS IX; Occipital horn syndrome. Identifiers: Orphanet 198, MedGen C0268353, MONDO:0010572, OMIM 304150.

Submission:

Labcorp Genetics (formerly Invitae), Labcorp
Classification: Pathogenic for X-linked distal spinal muscular atrophy type 3; Cutis laxa, X-linked; Menkes kinky-hair syndrome. Last evaluated: 2019-08-17. Review status: criteria provided, single submitter. Criteria: Invitae Variant Classification Sherloc (09022015). Collection method: clinical testing. Allele origin: germline.
Comment: For these reasons, this variant has been classified as Pathogenic. Loss-of-function variants in ATP7A are known to be pathogenic (PMID: 11241493, 20652413). This variant has not been reported in the literature in individuals with ATP7A-related conditions. This variant is not present in population databases (ExAC no frequency). This sequence change creates a premature translational stop signal (p.Gln1176*) in the ATP7A gene. It is expected to result in an absent or disrupted protein product.

Literature cited by the submitters: PubMed 11241493; PubMed 20652413.

NM_000052.7(ATP7A):c.3526C>T (p.Gln1176Ter)

Gene: ATP7A (ATPase copper transporting alpha; plus strand). Cytogenetic location: Xq21.1.
Variant type: single nucleotide variant.
Coding change: c.3526C>T on transcript NM_000052.7 (MANE Select); coding-DNA position 3526, C replaced by T.
Protein change: p.Gln1176Ter; replaces glutamine 1176 with a stop codon.
Molecular consequence: nonsense. On other transcripts: non-coding transcript variant (1).
Genome position (GRCh38, 1-based): chrX:78,038,850, C>T. VCF-style: chrX-78038850-C-T. GRCh37 (hg19) VCF-style: chrX-77294348-C-T.
Other names: c.3292C>T, p.Gln1098Ter (NM_001282224.2); short protein forms Q1098*, Q1176*.
Identifiers: ClinVar variation 945136 (VCV000945136.8), dbSNP rs2078030304, ClinGen allele CA413604370.